The following is an entry in ClinVar:

ClinVar aggregate classification (germline): Uncertain significance (1 of 4 stars; one submission).

Conditions:
Combined oxidative phosphorylation defect type 27. Also called: Combined oxidative phosphorylation deficiency 27. Identifiers: Orphanet 477774, MedGen C5567608, MONDO:0014728, OMIM 616672.

Allele frequency attached by ClinVar (database versions not stated): gnomAD exomes below 0.00001; ExAC 0.00001.
gnomAD v4.1: 2 of 1,614,106 alleles (0.00012%); highest among the groups gnomAD compares: East Asian, 0.0022%; no homozygotes.

Submission:

Labcorp Genetics (formerly Invitae), Labcorp
Classification: Uncertain significance for Combined oxidative phosphorylation defect type 27. Last evaluated: 2022-01-03. Review status: criteria provided, single submitter. Criteria: Invitae Variant Classification Sherloc (09022015). Collection method: clinical testing. Allele origin: germline.
Comment: In summary, the available evidence is currently insufficient to determine the role of this variant in disease. Therefore, it has been classified as a Variant of Uncertain Significance. Algorithms developed to predict the effect of missense changes on protein structure and function (SIFT, PolyPhen-2, Align-GVGD) all suggest that this variant is likely to be tolerated. This variant has not been reported in the literature in individuals affected with CARS2-related conditions. This variant is present in population databases (rs752453038, gnomAD 0.006%). This sequence change replaces valine, which is neutral and non-polar, with alanine, which is neutral and non-polar, at codon 464 of the CARS2 protein (p.Val464Ala).

NM_024537.4(CARS2):c.1391T>C (p.Val464Ala)

Gene: CARS2 (cysteinyl-tRNA synthetase 2, mitochondrial; minus strand). Cytogenetic location: 13q34.
Variant type: single nucleotide variant.
Coding change: c.1391T>C on transcript NM_024537.4 (MANE Select); coding-DNA position 1391, T replaced by C.
Protein change: p.Val464Ala; replaces valine 464 with alanine.
Molecular consequence: missense variant. On other transcripts: non-coding transcript variant (2).
Genome position (GRCh38, 1-based): chr13:110,644,410, A>G on the plus strand (T>C on the coding strand, the complement: CARS2 is on the minus strand). VCF-style: chr13-110644410-A-G. GRCh37 (hg19) VCF-style: chr13-111296757-A-G.
Other names: c.605T>C, p.Val202Ala (NM_001352252.2); short protein forms V464A, V202A.
Identifiers: ClinVar variation 2072525 (VCV002072525.4), dbSNP rs752453038, ClinGen allele CA7051800.